The following is an entry in ClinVar:

ClinVar aggregate classification (germline): Uncertain significance. Review status: criteria provided, multiple submitters, no conflicts (2 of 4 stars). 5 submissions from 5 submitters: Uncertain significance (5). Last evaluated 2024-04-24.

Conditions:
Cardiovascular phenotype. Identifiers: MedGen CN230736.
Atrial septal defect 4 (ASD4). Identifiers: Orphanet 1478, MedGen C1969657, MONDO:0012654, OMIM 611363.

Submissions (5):

Blueprint Genetics
Classification: Uncertain significance. Last evaluated: 2024-04-24. Review status: criteria provided, single submitter. Criteria: ACMG Guidelines, 2015. Collection method: clinical testing. Allele origin: germline.

Ambry Genetics
Classification: Uncertain significance for Cardiovascular phenotype. Last evaluated: 2024-04-20. Review status: criteria provided, single submitter. Criteria: Ambry Variant Classification Scheme 2023. Collection method: clinical testing. Allele origin: germline.
Comment: The p.T273M variant (also known as c.818C>T), located in coding exon 6 of the TBX20 gene, results from a C to T substitution at nucleotide position 818. The threonine at codon 273 is replaced by methionine, an amino acid with similar properties. This variant was not reported in population based cohorts in the following databases: Database of Single Nucleotide Polymorphisms (dbSNP), NHLBI Exome Sequencing Project (ESP), and 1000 Genomes Project. In the ESP, this variant was not observed in 6503 samples (13006 alleles) with coverage at this position. This amino acid position is highly conserved in available vertebrate species. In addition, this alteration is predicted to be deleterious by in silico analysis. Since supporting evidence is limited at this time, the clinical significance of this variant remains unclear.

Labcorp Genetics (formerly Invitae), Labcorp
Classification: Uncertain significance. Last evaluated: 2023-10-28. Review status: criteria provided, single submitter. Criteria: Invitae Variant Classification Sherloc (09022015). Collection method: clinical testing. Allele origin: germline.
Comment: This sequence change replaces threonine, which is neutral and polar, with methionine, which is neutral and non-polar, at codon 273 of the TBX20 protein (p.Thr273Met). This variant is not present in population databases (gnomAD no frequency). This variant has not been reported in the literature in individuals affected with TBX20-related conditions. ClinVar contains an entry for this variant (Variation ID: 519119). Advanced modeling of protein sequence and biophysical properties (such as structural, functional, and spatial information, amino acid conservation, physicochemical variation, residue mobility, and thermodynamic stability) performed at Invitae indicates that this missense variant is expected to disrupt TBX20 protein function with a positive predictive value of 80%. In summary, the available evidence is currently insufficient to determine the role of this variant in disease. Therefore, it has been classified as a Variant of Uncertain Significance.

GeneDx
Classification: Uncertain significance. Last evaluated: 2019-07-22. Review status: criteria provided, single submitter. Criteria: GeneDx Variant Classification Process June 2021. Collection method: clinical testing. Allele origin: germline. Affected: yes.
Comment: Not observed in large population cohorts (Lek et al., 2016); In silico analysis, which includes protein predictors and evolutionary conservation, supports a deleterious effect; Has not been previously published as pathogenic or benign to our knowledge

Fulgent Genetics
Classification: Uncertain significance for Atrial septal defect 4. Last evaluated: 2018-10-31. Review status: criteria provided, single submitter. Criteria: ACMG Guidelines, 2015. Collection method: clinical testing. Allele origin: unknown.

NM_001077653.2(TBX20):c.818C>T (p.Thr273Met)

Gene: TBX20 (T-box transcription factor 20; minus strand). Cytogenetic location: 7p14.2.
Variant type: single nucleotide variant.
Coding change: c.818C>T on transcript NM_001077653.2 (MANE Select); coding-DNA position 818, C replaced by T.
Protein change: p.Thr273Met; replaces threonine 273 with methionine.
Molecular consequence: missense variant.
Genome position (GRCh38, 1-based): chr7:35,231,576, G>A on the plus strand (C>T on the coding strand, the complement: TBX20 is on the minus strand). VCF-style: chr7-35231576-G-A. GRCh37 (hg19) VCF-style: chr7-35271188-G-A.
Other names: c.818C>T, p.Thr273Met (LRG_755t1, NM_001166220.1); short protein forms T273M.
Identifiers: ClinVar variation 519119 (VCV000519119.14), dbSNP rs1554286367, ClinGen allele CA367263853.